The following is an entry in ClinVar:

ClinVar aggregate classification (germline): Uncertain significance (1 of 4 stars; one submission).

Submission:

Greenwood Genetic Center Diagnostic Laboratories, Greenwood Genetic Center
Classification: Uncertain significance. Last evaluated: 2023-07-07. Review status: criteria provided, single submitter. Criteria: ACMG Guidelines, 2015. Collection method: clinical testing. Allele origin: germline. Affected: yes.
Comment: PM2

NM_001375524.1(TRRAP):c.9807C>T (p.Tyr3269=)

Gene: TRRAP (transformation/transcription domain associated protein; plus strand). Cytogenetic location: 7q22.1.
Variant type: single nucleotide variant.
Coding change: c.9807C>T on transcript NM_001375524.1 (MANE Select); coding-DNA position 9807, C replaced by T.
Protein change: p.Tyr3269=; no amino-acid change (tyrosine 3269 retained).
Molecular consequence: synonymous variant.
Genome position (GRCh38, 1-based): chr7:98,992,187, C>T. VCF-style: chr7-98992187-C-T. GRCh37 (hg19) VCF-style: chr7-98589810-C-T.
Other names: c.9819C>T, p.Tyr3273= (NM_001244580.2); c.9732C>T, p.Tyr3244= (NM_003496.4).
Identifiers: ClinVar variation 2626942 (VCV002626942.1), dbSNP rs2485004651, ClinGen allele CA456675540.